The following is an entry in ClinVar:

ClinVar aggregate classification (germline): Conflicting classifications of pathogenicity. Review status: criteria provided, conflicting classifications (1 of 4 stars). 4 submissions from 4 submitters: Uncertain significance (3); Likely benign (1). Last evaluated 2026-05-07.

Conditions:
Inborn genetic diseases. Identifiers: MedGen C0950123, MeSH D030342.

Allele frequency attached by ClinVar (database versions not stated): TOPMed below 0.00001; gnomAD 0.00001; ExAC 0.00005; gnomAD exomes 0.00005.
gnomAD v4.1: 41 of 1,613,728 alleles (0.0025%); highest among the groups gnomAD compares: Middle Eastern, 0.016%; no homozygotes.

Submissions (4):

Women's Health and Genetics/Laboratory Corporation of America, LabCorp
Classification: Uncertain significance. Last evaluated: 2026-05-07. Review status: criteria provided, single submitter. Criteria: LabCorp Variant Classification Summary - May 2015. Collection method: clinical testing. Allele origin: germline.
Comment: Variant summary: SPTBN2 c.4433G>A (p.Arg1478Gln) results in a conservative amino acid change in the encoded protein sequence. Algorithms developed to predict the effect of missense changes on protein structure and function all suggest that this variant is likely to be tolerated. The variant allele was found at a frequency of 4.8e-05 in 251050 control chromosomes. This frequency is not significantly higher than estimated for disease-causing variants in SPTBN2, allowing no conclusion about variant significance. To our knowledge, no occurrence of c.4433G>A in individuals affected with SPTBN2-related conditions and no experimental evidence demonstrating its impact on protein function have been reported. ClinVar contains an entry for this variant (Variation ID: 806697). Based on the evidence outlined above, the variant was classified as uncertain significance.

Ambry Genetics
Classification: Likely benign for Inborn genetic diseases. Last evaluated: 2024-10-08. Review status: criteria provided, single submitter. Criteria: Ambry Variant Classification Scheme 2023. Collection method: clinical testing. Allele origin: germline.

GeneDx
Classification: Uncertain significance. Last evaluated: 2023-02-17. Review status: criteria provided, single submitter. Criteria: GeneDx Variant Classification Process June 2021. Collection method: clinical testing. Allele origin: germline. Affected: yes.
Comment: In silico analysis supports that this missense variant does not alter protein structure/function; Has not been previously published as pathogenic or benign to our knowledge

CeGaT Center for Human Genetics Tuebingen
Classification: Uncertain significance. Last evaluated: 2016-06-01. Review status: criteria provided, single submitter. Criteria: CeGaT Center For Human Genetics Tuebingen Variant Classification Criteria Version 2. Collection method: clinical testing. Allele origin: germline. Affected: yes. Observed: 1 variant allele.

NM_006946.4(SPTBN2):c.4433G>A (p.Arg1478Gln)

Gene: SPTBN2 (spectrin beta, non-erythrocytic 2; minus strand). Cytogenetic location: 11q13.2.
Variant type: single nucleotide variant.
Coding change: c.4433G>A on transcript NM_006946.4 (MANE Select); coding-DNA position 4433, G replaced by A.
Protein change: p.Arg1478Gln; replaces arginine 1478 with glutamine.
Molecular consequence: missense variant.
Genome position (GRCh38, 1-based): chr11:66,694,209, C>T on the plus strand (G>A on the coding strand, the complement: SPTBN2 is on the minus strand). VCF-style: chr11-66694209-C-T. GRCh37 (hg19) VCF-style: chr11-66461680-C-T.
Other names: c.4433G>A (NM_006946.2); short protein forms R1478Q.
Identifiers: ClinVar variation 806697 (VCV000806697.45), dbSNP rs761295502, ClinGen allele CA6128587.